The following is an entry in ClinVar:

ClinVar aggregate classification (germline): Uncertain significance (1 of 4 stars; one submission).

Submission:

Labcorp Genetics (formerly Invitae), Labcorp
Classification: Uncertain significance. Last evaluated: 2019-12-20. Review status: criteria provided, single submitter. Criteria: Invitae Variant Classification Sherloc (09022015). Collection method: clinical testing. Allele origin: germline.
Comment: In summary, the available evidence is currently insufficient to determine the role of this variant in disease. Therefore, it has been classified as a Variant of Uncertain Significance. The current clinical and genetic evidence is not sufficient to establish whether loss-of-function variants in TMEM63A cause disease. This variant has not been reported in the literature in individuals with TMEM63A-related conditions. This variant is not present in population databases (ExAC no frequency). This sequence change creates a premature translational stop signal (p.Tyr176*) in the TMEM63A gene. It is expected to result in an absent or disrupted protein product.

NM_014698.3(TMEM63A):c.528T>G (p.Tyr176Ter)

Gene: TMEM63A (transmembrane protein 63A; minus strand). Cytogenetic location: 1q42.12.
Variant type: single nucleotide variant.
Coding change: c.528T>G on transcript NM_014698.3 (MANE Select); coding-DNA position 528, T replaced by G.
Protein change: p.Tyr176Ter; replaces tyrosine 176 with a stop codon.
Molecular consequence: nonsense.
Genome position (GRCh38, 1-based): chr1:225,867,150, A>C on the plus strand (T>G on the coding strand, the complement: TMEM63A is on the minus strand). VCF-style: chr1-225867150-A-C. GRCh37 (hg19) VCF-style: chr1-226054850-A-C.
Other names: short protein forms Y176*.
Identifiers: ClinVar variation 836809 (VCV000836809.7), dbSNP rs762132510, ClinGen allele CA345024085.
Genomic context (GRCh38, chr1:225,867,150, plus strand): 5'-TCCCCACGGGCTCCATACTCACTCAGTCTGTAGGTTTGCTATTGTTGTCCTCCCAAAACT[A>C]TACGGGTCTTTGTCTGCAGAGAAGCACAGATACTTAGTTCCAGGGTCATGTGGGGAAGCA-3'